The following is an entry in ClinVar:

NM_021020.5(LZTS1):c.67T>C (p.Tyr23His)

Gene: LZTS1 (leucine zipper tumor suppressor 1; minus strand). Cytogenetic location: 8p21.3.
Variant type: single nucleotide variant.
Coding change: c.67T>C on transcript NM_021020.5 (MANE Select); coding-DNA position 67, T replaced by C.
Protein change: p.Tyr23His; replaces tyrosine 23 with histidine.
Molecular consequence: missense variant.
Genome position (GRCh38, 1-based): chr8:20,255,115, A>G on the plus strand (T>C on the coding strand, the complement: LZTS1 is on the minus strand). VCF-style: chr8-20255115-A-G. GRCh37 (hg19) VCF-style: chr8-20112626-A-G.
Other names: c.67T>C, p.Tyr23His (NM_001362884.2); short protein forms Y23H.
Identifiers: ClinVar variation 2807035 (VCV002807035.3), dbSNP rs2486322427, ClinGen allele CA370479077.

ClinVar aggregate classification (germline): Uncertain significance (1 of 4 stars; one submission).

Allele frequency attached by ClinVar (database versions not stated): gnomAD exomes below 0.00001.
gnomAD v4.1: 1 of 1,614,214 alleles (0.000062%); highest among the groups gnomAD compares: Non-Finnish European, 0.000085%; no homozygotes.

Submission:

Labcorp Genetics (formerly Invitae), Labcorp
Classification: Uncertain significance. Last evaluated: 2023-11-22. Review status: criteria provided, single submitter. Criteria: Invitae Variant Classification Sherloc (09022015). Collection method: clinical testing. Allele origin: germline.
Comment: This sequence change replaces tyrosine, which is neutral and polar, with histidine, which is basic and polar, at codon 23 of the LZTS1 protein (p.Tyr23His). This variant is not present in population databases (gnomAD no frequency). This variant has not been reported in the literature in individuals affected with LZTS1-related conditions. Advanced modeling of protein sequence and biophysical properties (such as structural, functional, and spatial information, amino acid conservation, physicochemical variation, residue mobility, and thermodynamic stability) performed at Invitae indicates that this missense variant is not expected to disrupt LZTS1 protein function with a negative predictive value of 80%. In summary, the available evidence is currently insufficient to determine the role of this variant in disease. Therefore, it has been classified as a Variant of Uncertain Significance.